The following is an entry in ClinVar:

ClinVar aggregate classification (germline): Conflicting classifications of pathogenicity. Review status: criteria provided, conflicting classifications (1 of 4 stars). 4 submissions from 4 submitters: Uncertain significance (1); Likely benign (2). 1 of the submissions does not count toward it. Last evaluated 2025-01-01.

Conditions:
BICRA-related disorder. Also called: BICRA-related condition.

Allele frequency attached by ClinVar (database versions not stated): ExAC 0.00011; 1000 Genomes Project 0.00040; 1000 Genomes Project 30x 0.00062; TOPMed 0.00066; gnomAD 0.00072; gnomAD exomes 0.00090.
gnomAD v4.1: 1,331 of 1,513,288 alleles (0.088%); highest among the groups gnomAD compares: Middle Eastern, 0.43%; no homozygotes.

Submissions (4):

CeGaT Center for Human Genetics Tuebingen
Classification: Likely benign. Last evaluated: 2025-01-01. Review status: criteria provided, single submitter. Criteria: CeGaT Center For Human Genetics Tuebingen Variant Classification Criteria Version 2. Collection method: clinical testing. Allele origin: germline. Affected: yes. Observed: 3 variant alleles.
Comment: BICRA: BS1

Blueprint Genetics
Classification: Likely benign. Last evaluated: 2024-10-07. Review status: criteria provided, single submitter. Criteria: ACMG Guidelines, 2015. Collection method: clinical testing. Allele origin: germline.

Ambry Genetics
Classification: Uncertain significance. Last evaluated: 2021-10-14. Review status: criteria provided, single submitter. Criteria: Ambry Variant Classification Scheme 2023. Collection method: clinical testing. Allele origin: germline.

PreventionGenetics, part of Exact Sciences
Classification: Likely benign for BICRA-related condition. Last evaluated: 2022-07-06. Review status: no assertion criteria provided. Collection method: clinical testing. Allele origin: germline. Not counted in ClinVar's aggregate classification.
Comment: This variant is classified as likely benign based on ACMG/AMP sequence variant interpretation guidelines (Richards et al. 2015 PMID: 25741868, with internal and published modifications).

NM_001394372.1(BICRA):c.1973C>T (p.Pro658Leu)

Gene: BICRA (BRD4 interacting chromatin remodeling complex associated protein; plus strand). Cytogenetic location: 19q13.33.
Variant type: single nucleotide variant.
Coding change: c.1973C>T on transcript NM_001394372.1 (MANE Select); coding-DNA position 1973, C replaced by T.
Protein change: p.Pro658Leu; replaces proline 658 with leucine.
Molecular consequence: missense variant.
Genome position (GRCh38, 1-based): chr19:47,681,143, C>T. VCF-style: chr19-47681143-C-T. GRCh37 (hg19) VCF-style: chr19-48184400-C-T.
Other names: c.1973C>T, p.Pro658Leu (NM_015711.3); short protein forms P658L.
Identifiers: ClinVar variation 3043811 (VCV003043811.18), dbSNP rs545666349, ClinGen allele CA9541809.
Genomic context (GRCh38, chr19:47,681,143, plus strand): 5'-GCCTCCAGCAGCCGCAGGCGCAGCAGCCCCCGCAGGCCCCCACCCCACAGGCCGCCGCCC[C>T]GCCTCAGGCCACCACCCCCCAGCCCAGCCCTGGCCTGGCGTCTAGCCCGGAGAAGATCGT-3'
Protein context (NP_001381301.1, residues 648-668): PQAPTPQAAA[Pro658Leu]PQATTPQPSP